The following is an entry in ClinVar:

NM_001005361.3(DNM2):c.2031G>A (p.Lys677=)

Gene: DNM2 (dynamin 2; plus strand). Cytogenetic location: 19p13.2.
Variant type: single nucleotide variant.
Coding change: c.2031G>A on transcript NM_001005361.3 (MANE Select); coding-DNA position 2031, G replaced by A.
Protein change: p.Lys677=; no amino-acid change (lysine 677 retained).
Molecular consequence: synonymous variant.
Genome position (GRCh38, 1-based): chr19:10,825,194, G>A. VCF-style: chr19-10825194-G-A. GRCh37 (hg19) VCF-style: chr19-10935870-G-A.
Other names: c.2031G>A, p.Lys677= (NM_001005360.3, NM_001190716.2); c.2019G>A, p.Lys673= (NM_001005362.3, NM_004945.4).
Identifiers: ClinVar variation 327985 (VCV000327985.14), dbSNP rs768285660, ClinGen allele CA9201480.

ClinVar aggregate classification (germline): Conflicting classifications of pathogenicity. Review status: criteria provided, conflicting classifications (1 of 4 stars). 5 submissions from 4 submitters: Uncertain significance (1); Likely benign (4). Last evaluated 2025-12-13.

Conditions:
Charcot-Marie-Tooth disease dominant intermediate B (CMTDIB). Also called: CHARCOT-MARIE-TOOTH NEUROPATHY, DOMINANT INTERMEDIATE B; Charcot-Marie-Tooth disease dominant intermediate 1; CMT DI1; Charcot-Marie-Tooth disease dominant intermediate I. Identifiers: Orphanet 100044, Orphanet 228179, MedGen C1847902, MONDO:0011674, OMIM 606482.
Autosomal dominant centronuclear myopathy. Also called: MYOTUBULAR MYOPATHY, AUTOSOMAL DOMINANT; Myopathy, centronuclear, 3. Identifiers: Orphanet 169189, MedGen C4551952, MeSH D020914, MONDO:0008048, OMIM 160150.
Inborn genetic diseases. Identifiers: MedGen C0950123, MeSH D030342.

Allele frequency attached by ClinVar (database versions not stated): gnomAD 0.00003; gnomAD exomes 0.00004 and 0.00005; TOPMed 0.00004; ExAC 0.00006.
gnomAD v4.1: 69 of 1,614,050 alleles (0.0043%); highest among the groups gnomAD compares: Middle Eastern, 0.016%; no homozygotes.

Submissions (5):

Labcorp Genetics (formerly Invitae), Labcorp
Classification: Likely benign for Charcot-Marie-Tooth disease dominant intermediate B. Last evaluated: 2025-12-13. Review status: criteria provided, single submitter. Criteria: Invitae Variant Classification Sherloc (09022015). Collection method: clinical testing. Allele origin: germline.

Ambry Genetics
Classification: Likely benign for Inborn genetic diseases. Last evaluated: 2019-07-11. Review status: criteria provided, single submitter. Criteria: Ambry Variant Classification Scheme 2023. Collection method: clinical testing. Allele origin: germline.

Illumina Laboratory Services, Illumina
Classification: Uncertain significance for Autosomal dominant centronuclear myopathy. Last evaluated: 2018-01-13. Review status: criteria provided, single submitter. Criteria: ICSL Variant Classification Criteria 13 December 2019. Collection method: clinical testing. Allele origin: germline.

Illumina Laboratory Services, Illumina
Classification: Likely benign for Charcot-Marie-Tooth disease dominant intermediate B. Last evaluated: 2018-01-13. Review status: criteria provided, single submitter. Criteria: ICSL Variant Classification Criteria 13 December 2019. Collection method: clinical testing. Allele origin: germline.
Comment: This variant was observed in the ICSL laboratory as part of a predisposition screen in an ostensibly healthy population. It had not been previously curated by ICSL or reported in the Human Gene Mutation Database (HGMD: prior to June 1st, 2018), and was therefore a candidate for classification through an automated scoring system. Utilizing variant allele frequency, disease prevalence and penetrance estimates, and inheritance mode, an automated score was calculated to assess if this variant is too frequent to cause the disease. Based on the score and internal cut-off values, a variant classified as likely benign is not then subjected to further curation. The score for this variant resulted in a classification of likely benign for this disease.

GeneDx
Classification: Likely benign. Last evaluated: 2017-12-12. Review status: criteria provided, single submitter. Criteria: GeneDx Variant Classification (06012015). Collection method: clinical testing. Allele origin: germline. Affected: yes.
Comment: This variant is considered likely benign or benign based on one or more of the following criteria: it is a conservative change, it occurs at a poorly conserved position in the protein, it is predicted to be benign by multiple in silico algorithms, and/or has population frequency not consistent with disease.